The following is an entry in ClinVar:

ClinVar aggregate classification (germline): Uncertain significance (1 of 4 stars; one submission).

Conditions:
Melanoma, cutaneous malignant, susceptibility to, 8. Also called: MELANOMA AND RENAL CELL CARCINOMA, SUSCEPTIBILITY TO; Cutaneous malignant melanoma 8. Identifiers: Orphanet 293822, MedGen C3152204, MONDO:0013759, OMIM 614456.
Tietz syndrome (TADS). Also called: TIETZ ALBINISM-DEAFNESS SYNDROME; ALBINISM-DEAFNESS OF TIETZ; HYPOPIGMENTATION/DEAFNESS OF TIETZ. Identifiers: Orphanet 42665, MedGen C0391816, MONDO:0007077, OMIM 103500.
Waardenburg syndrome type 2A (WS2A). Also called: WAARDENBURG SYNDROME WITHOUT DYSTOPIA CANTHORUM. Identifiers: Orphanet 3440, MedGen C1860339, MONDO:0008671, OMIM 193510.

Submission:

Labcorp Genetics (formerly Invitae), Labcorp
Classification: Uncertain significance for Melanoma, cutaneous malignant, susceptibility to, 8; Waardenburg syndrome type 2A; Tietz syndrome. Last evaluated: 2025-11-09. Review status: criteria provided, single submitter. Criteria: Invitae Variant Classification Sherloc (09022015). Collection method: clinical testing. Allele origin: germline.
Comment: This sequence change falls in intron 2 of the MITF gene. It does not directly change the encoded amino acid sequence of the MITF protein. This variant is not present in population databases (gnomAD no frequency). This variant has not been reported in the literature in individuals affected with MITF-related conditions. Algorithms developed to predict the effect of sequence changes on RNA splicing suggest that this variant may disrupt the consensus splice site. In summary, the available evidence is currently insufficient to determine the role of this variant in disease. Therefore, it has been classified as a Variant of Uncertain Significance.

NM_001354604.2(MITF):c.583-11T>C

Gene: MITF (melanocyte inducing transcription factor; plus strand). Cytogenetic location: 3p13.
Variant type: single nucleotide variant.
Coding change: c.583-11T>C on transcript NM_001354604.2 (MANE Select); 11 bases into the intron before coding-DNA position 583, T replaced by C.
Molecular consequence: intron variant.
Genome position (GRCh38, 1-based): chr3:69,939,087, T>C. VCF-style: chr3-69939087-T-C. GRCh37 (hg19) VCF-style: chr3-69988238-T-C.
Other names: c.532-11T>C (NM_001354607.2); c.427-11T>C (NM_001354608.2, NM_001184967.2); c.583-11T>C (NM_198159.3); c.580-11T>C (NM_001354605.2, NM_001354606.2, NM_006722.3); c.535-11T>C (NM_198177.3); c.262-11T>C (NM_000248.4, NM_198158.3); c.94-11T>C (NM_198178.3).
Identifiers: ClinVar variation 4786578 (VCV004786578.1).